The following is an entry in ClinVar:

ClinVar aggregate classification (germline): Uncertain significance (1 of 4 stars; one submission).

gnomAD v4.1: 1 of 1,613,884 alleles (0.000062%); highest among the groups gnomAD compares: Non-Finnish European, 0.000085%; no homozygotes.

Submission:

Greenwood Genetic Center Diagnostic Laboratories, Greenwood Genetic Center
Classification: Uncertain significance. Last evaluated: 2025-01-16. Review status: criteria provided, single submitter. Criteria: ACMG Guidelines, 2015. Collection method: clinical testing. Allele origin: germline.
Comment: PM2, PP2, PP3

NM_002880.4(RAF1):c.1514C>G (p.Pro505Arg)

Gene: RAF1 (Raf-1 proto-oncogene, serine/threonine kinase; minus strand). Cytogenetic location: 3p25.2.
Variant type: single nucleotide variant.
Coding change: c.1514C>G on transcript NM_002880.4 (MANE Select); coding-DNA position 1514, C replaced by G.
Protein change: p.Pro505Arg; replaces proline 505 with arginine.
Molecular consequence: missense variant. On other transcripts: non-coding transcript variant (3).
Genome position (GRCh38, 1-based): chr3:12,585,703, G>C on the plus strand (C>G on the coding strand, the complement: RAF1 is on the minus strand). VCF-style: chr3-12585703-G-C. GRCh37 (hg19) VCF-style: chr3-12627202-G-C.
Other names: c.1574C>G, p.Pro525Arg (NM_001354689.3); c.1514C>G, p.Pro505Arg (NM_001354690.3); c.1271C>G, p.Pro424Arg (NM_001354691.3, NM_001354692.3); c.1415C>G, p.Pro472Arg (NM_001354693.3); c.1331C>G, p.Pro444Arg (NM_001354694.3); c.1172C>G, p.Pro391Arg (NM_001354695.3); short protein forms P391R, P424R, P444R, P472R, P505R, P525R.
Identifiers: ClinVar variation 4851752 (VCV004851752.1).